The following is an entry in ClinVar:

NM_000202.8(IDS):c.305del (p.Leu102fs)

Gene: IDS (iduronate 2-sulfatase; minus strand). Cytogenetic location: Xq28.
Variant type: Deletion.
Coding change: c.305del on transcript NM_000202.8 (MANE Select); coding-DNA position 305, one base deleted (T; older notation c.305delT).
Protein change: p.Leu102fs; shifts the reading frame from leucine 102.
Molecular consequence: frameshift variant. On other transcripts: non-coding transcript variant (1).
Genome position (GRCh38, 1-based): chrX:149,503,425, A deleted on the plus strand (T on the coding strand, the reverse complement: IDS is on the minus strand). VCF-style (leftmost placement, unchanged base first): chrX-149503424-CA-C. GRCh37 (hg19) VCF-style: chrX-148584954-CA-C.
Other names: c.35del, p.Leu12fs (NM_001166550.4); c.305del, p.Leu102fs (NM_006123.5); short protein forms L102fs, L12fs.
Identifiers: ClinVar variation 988673 (VCV000988673.3), dbSNP rs2089496744, ClinGen allele CA2465010878.

ClinVar aggregate classification (germline): Pathogenic. Review status: criteria provided, single submitter (1 of 4 stars). 2 submissions from 2 submitters: Pathogenic (1). 1 of the submissions does not count toward it. Last evaluated 2024-06-07.

Conditions:
Mucopolysaccharidosis, MPS-II (MPS2). Also called: IDS deficiency; Sulfoiduronate sulfatase deficiency; SIDS deficiency; Mucopolysaccharidosis type 2; Mucopolysaccharidosis Type II; Attenuated MPS (subtype; formerly known as mild MPS II). Identifiers: Orphanet 580, Orphanet 79388, MedGen C0026705, MONDO:0010674, OMIM 309900.

Submissions (2):

Laboratory of Diagnosis and Therapy of Lysosomal Disorders, University of Padova
Classification: Pathogenic for Mucopolysaccharidosis, MPS-II. Last evaluated: 2024-06-07. Review status: criteria provided, single submitter. Criteria: ACMG Guidelines, 2015. Collection method: literature only. Allele origin: germline. Affected: yes. Observed: 1 variant allele.
Comment: Null variant (PVS1_VeryStrong), Absent from controls (or at low frequency) in gnomAD database (PM2_Moderate), Patient’s phenotype or family history highly specific for the disease (PP4_Strong)

Classification method: ACMG Guidelines [PMID:25741868] with modifications

Laboratory of Inherited Metabolic Diseases, Research centre for medical genetics
Classification: Pathogenic for Mucopolysaccharidosis, type II; MPS2. Review status: no assertion criteria provided. Collection method: research. Allele origin: germline. Affected: yes. Not counted in ClinVar's aggregate classification.

Literature cited by the submitters: PubMed 33676511 (cited by Laboratory of Diagnosis and Therapy of Lysosomal Disorders, University of Padova).